The following is an entry in ClinVar:

NM_198252.3(GSN):c.730C>T (p.Arg244Cys)

Gene: GSN (gelsolin; plus strand). Cytogenetic location: 9q33.2.
Variant type: single nucleotide variant.
Coding change: c.730C>T on transcript NM_198252.3 (MANE Select); coding-DNA position 730, C replaced by T.
Protein change: p.Arg244Cys; replaces arginine 244 with cysteine.
Molecular consequence: missense variant.
Genome position (GRCh38, 1-based): chr9:121,314,000, C>T. VCF-style: chr9-121314000-C-T. GRCh37 (hg19) VCF-style: chr9-124076278-C-T.
Other names: c.730C>T, p.Arg244Cys (NM_001353060.2, NM_001353061.2, NM_001353062.1 and 10 more transcripts); c.763C>T, p.Arg255Cys (NM_001353063.2, NM_001353064.2, NM_001353065.2 and 13 more transcripts); c.883C>T, p.Arg295Cys (NM_000177.5); c.838C>T, p.Arg280Cys (NM_001127663.2); c.781C>T, p.Arg261Cys (NM_001258029.2); c.754C>T, p.Arg252Cys (NM_001258030.2); c.802C>T, p.Arg268Cys (NM_001353076.2); c.76C>T, p.Arg26Cys (NM_001353078.2); short protein forms R244C, R252C, R268C, R26C, R261C, R280C, R295C, R255C.
Identifiers: ClinVar variation 2719957 (VCV002719957.3), dbSNP rs188214536, ClinGen allele CA5221009.

ClinVar aggregate classification (germline): Uncertain significance (1 of 4 stars; one submission).

Allele frequency attached by ClinVar (database versions not stated): ExAC 0.00002; TOPMed 0.00002; 1000 Genomes Project 30x 0.00016; 1000 Genomes Project 0.00020.
gnomAD v4.1: 22 of 1,613,918 alleles (0.0014%); highest among the groups gnomAD compares: East Asian, 0.011%; no homozygotes.

Submission:

Labcorp Genetics (formerly Invitae), Labcorp
Classification: Uncertain significance. Last evaluated: 2023-12-06. Review status: criteria provided, single submitter. Criteria: Invitae Variant Classification Sherloc (09022015). Collection method: clinical testing. Allele origin: germline.
Comment: This sequence change replaces arginine, which is basic and polar, with cysteine, which is neutral and slightly polar, at codon 295 of the GSN protein (p.Arg295Cys). This variant is present in population databases (rs188214536, gnomAD 0.006%). This variant has not been reported in the literature in individuals affected with GSN-related conditions. Advanced modeling of protein sequence and biophysical properties (such as structural, functional, and spatial information, amino acid conservation, physicochemical variation, residue mobility, and thermodynamic stability) performed at Invitae indicates that this missense variant is not expected to disrupt GSN protein function with a negative predictive value of 80%. In summary, the available evidence is currently insufficient to determine the role of this variant in disease. Therefore, it has been classified as a Variant of Uncertain Significance.